The following is an entry in ClinVar:

NM_000382.3(ALDH3A2):c.374_378del (p.Ala125fs)

Gene: ALDH3A2 (aldehyde dehydrogenase 3 family member A2; plus strand). Cytogenetic location: 17p11.2.
Variant type: Deletion.
Coding change: c.374_378del on transcript NM_000382.3 (MANE Select); coding-DNA positions 374 to 378, 5 bases deleted (CCATC; older notation c.374_378delCCATC).
Protein change: p.Ala125fs; shifts the reading frame from alanine 125.
Molecular consequence: frameshift variant. On other transcripts: 5 prime UTR variant (1).
Genome position (GRCh38, 1-based): chr17:19,651,767-19,651,771, CCATC deleted. VCF-style (leftmost placement, unchanged base first): chr17-19651766-GCCATC-G. GRCh37 (hg19) VCF-style: chr17-19555079-GCCATC-G.
Other names: c.374_378del, p.Ala125fs (NM_001031806.2, NM_001369136.1, NM_001369137.2 and 3 more transcripts); c.-315_-311del (NM_001369148.2); c.374_378del (NM_000382.2); short protein forms A125fs.
Identifiers: ClinVar variation 265029 (VCV000265029.8), dbSNP rs886039304, ClinGen allele CA10588644.
Genomic context (GRCh38, chr17:19,651,766, plus strand): 5'-GTGCTGATAATCGGAGCTTGGAATTACCCCTTCGTTCTCACCATTCAGCCACTGATAGGA[GCCATC>G]GCTGCAGGTCTGGTGCCACCTTATGTCTATATACCTTTTTAGGGAGGCTTATTTTCTCAT-3'

ClinVar aggregate classification (germline): Pathogenic. Review status: criteria provided, multiple submitters, no conflicts (2 of 4 stars). 5 submissions from 5 submitters: Pathogenic (5). Last evaluated 2026-01-20.

Conditions:
Sjögren-Larsson syndrome (SLS). Also called: FALDH DEFICIENCY; FATTY ALCOHOL:NAD+ OXIDOREDUCTASE DEFICIENCY; FATTY ALDEHYDE DEHYDROGENASE DEFICIENCY; ICHTHYOSIS, SPASTIC NEUROLOGIC DISORDER, AND OLIGOPHRENIA. Identifiers: Orphanet 816, MedGen C0037231, MONDO:0010031, OMIM 270200.

Allele frequency attached by ClinVar (database versions not stated): gnomAD exomes 0.00001.

Submissions (5):

Labcorp Genetics (formerly Invitae), Labcorp
Classification: Pathogenic. Last evaluated: 2026-01-20. Review status: criteria provided, single submitter. Criteria: Invitae Variant Classification Sherloc (09022015). Collection method: clinical testing. Allele origin: germline.
Comment: This sequence change creates a premature translational stop signal (p.Ala125Glyfs*12) in the ALDH3A2 gene. It is expected to result in an absent or disrupted protein product. Loss-of-function variants in ALDH3A2 are known to be pathogenic (PMID: 10577908, 10854114). This variant is not present in population databases (gnomAD no frequency). This premature translational stop signal has been observed in individual(s) with Sjogren-Larsson syndrome (PMID: 32506993). ClinVar contains an entry for this variant (Variation ID: 265029). Algorithms developed to predict the effect of sequence changes on RNA splicing suggest that this variant may disrupt the consensus splice site. For these reasons, this variant has been classified as Pathogenic.

Natera, Inc.
Classification: Pathogenic for Sjögren-Larsson syndrome. Last evaluated: 2025-10-23. Review status: criteria provided, single submitter. Criteria: Natera Variant Classification Schema (03/2026). Collection method: clinical testing. Allele origin: germline.
Comment: The c.374_378del variant in ALDH3A2 is a frameshift variant predicted to shift the reading frame beginning at codon 125 and leads to a stop codon 12 codons downstream. This variant is expected to result in nonsense mediated decay, truncation, or a dysfunctional protein product. This variant is rare in the general population with a frequency below the threshold expected for the associated phenotype(s). This variant has been observed in one or more individuals affected with the associated recessive disease, as either homozygous or compound heterozygous with a second variant (PMID: 15241804). Given the available evidence, this variant is classified as Pathogenic.

Fulgent Genetics
Classification: Pathogenic for Sjögren-Larsson syndrome. Last evaluated: 2024-01-04. Review status: criteria provided, single submitter. Criteria: ACMG Guidelines, 2015. Collection method: clinical testing. Allele origin: germline.

Women's Health and Genetics/Laboratory Corporation of America, LabCorp
Classification: Pathogenic for Sjögren-Larsson syndrome. Last evaluated: 2023-03-06. Review status: criteria provided, single submitter. Criteria: LabCorp Variant Classification Summary - May 2015. Collection method: clinical testing. Allele origin: germline.
Comment: Variant summary: ALDH3A2 c.374_378delCCATC (p.Ala125GlyfsX12) results in a premature termination codon, predicted to cause a truncation of the encoded protein or absence of the protein due to nonsense mediated decay, which are commonly known mechanisms for disease. Truncations downstream of this position have been classified as pathogenic by our laboratory. The variant was absent in 251358 control chromosomes (gnomAD). c.374_378delCCATC has been reported in the literature in individuals affected with Sjogren-Larsson Syndrome (Rizzo_1999, Carney_2004, Al-Holou_2020). At least one of these publications also reported experimental evidence evaluating an impact on protein function, and demonstrated <10% of normal activity in patient derived fibroblasts (Carney_2004). One clinical diagnostic laboratory has submitted clinical-significance assessments for this variant to ClinVar after, and classified the variant as pathogenic. Based on the evidence outlined above, the variant was classified as pathogenic.

GeneDx
Classification: Pathogenic. Last evaluated: 2016-08-02. Review status: criteria provided, single submitter. Criteria: GeneDx Variant Classification (06012015). Collection method: clinical testing. Allele origin: germline. Affected: yes.
Comment: The c.374_378delCCATC pathogenic variant in the ALDH3A2 gene has been reported previously in association with SLS (Rizzo et al., 1999). The deletion causes a frameshift starting with codon Alanine 125, changes this amino acid to a Glycine residue and creates a premature Stop codon at position 12 of the new reading frame, denoted p.Ala125GlyfsX12. This pathogenic variant is predicted to cause loss of normal protein function either through protein truncation or nonsense-mediated mRNA decay. In addition, the c.374_378delCCATC variant was not observed in approximately 6,500 individuals of European and African American ancestry in the NHLBI Exome Sequencing Project.

Literature cited by the submitters: PubMed 10577908 (cited by Labcorp Genetics (formerly Invitae), Labcorp and Women's Health and Genetics/Laboratory Corporation of America, LabCorp); PubMed 10854114 (cited by Labcorp Genetics (formerly Invitae), Labcorp); PubMed 32506993 (cited by Labcorp Genetics (formerly Invitae), Labcorp and Women's Health and Genetics/Laboratory Corporation of America, LabCorp); PubMed 15241804 (cited by Natera, Inc. and Women's Health and Genetics/Laboratory Corporation of America, LabCorp).